The following is an entry in ClinVar:

NM_005633.4(SOS1):c.2683A>G (p.Ser895Gly)

Gene: SOS1 (SOS Ras/Rac guanine nucleotide exchange factor 1; minus strand). Cytogenetic location: 2p22.1.
Variant type: single nucleotide variant.
Coding change: c.2683A>G on transcript NM_005633.4 (MANE Select); coding-DNA position 2683, A replaced by G.
Protein change: p.Ser895Gly; replaces serine 895 with glycine.
Molecular consequence: missense variant.
Genome position (GRCh38, 1-based): chr2:39,006,520, T>C on the plus strand (A>G on the coding strand, the complement: SOS1 is on the minus strand). VCF-style: chr2-39006520-T-C. GRCh37 (hg19) VCF-style: chr2-39233661-T-C.
Other names: c.2662A>G, p.Ser888Gly (NM_001382394.1); c.2683A>G, p.Ser895Gly (NM_001382395.1); short protein forms S895G, S888G.
Identifiers: ClinVar variation 3663109 (VCV003663109.3).

ClinVar aggregate classification (germline): Uncertain significance. Review status: criteria provided, multiple submitters, no conflicts (2 of 4 stars). 2 submissions from 2 submitters: Uncertain significance (2). Last evaluated 2024-09-17.

Conditions:
RASopathy. Also called: Noonan spectrum disorder; rasopathies. Identifiers: Orphanet 536391, MedGen C5555857, MONDO:0021060.

Submissions (2):

GeneDx
Classification: Uncertain significance. Last evaluated: 2024-09-17. Review status: criteria provided, single submitter. Criteria: GeneDx Variant Classification Process June 2021. Collection method: clinical testing. Allele origin: germline. Affected: yes.
Comment: Not observed at significant frequency in large population cohorts (gnomAD); Missense variants in this gene are a common cause of disease and they are underrepresented in the general population; In silico analysis indicates that this missense variant does not alter protein structure/function; Has not been previously published as pathogenic or benign to our knowledge; This variant is associated with the following publications: (PMID: 29493581)

Labcorp Genetics (formerly Invitae), Labcorp
Classification: Uncertain significance for RASopathy. Last evaluated: 2024-08-21. Review status: criteria provided, single submitter. Criteria: Invitae Variant Classification Sherloc (09022015). Collection method: clinical testing. Allele origin: germline.
Comment: This sequence change replaces serine, which is neutral and polar, with glycine, which is neutral and non-polar, at codon 895 of the SOS1 protein (p.Ser895Gly). This variant is not present in population databases (gnomAD no frequency). This variant has not been reported in the literature in individuals affected with SOS1-related conditions. Invitae Evidence Modeling of protein sequence and biophysical properties (such as structural, functional, and spatial information, amino acid conservation, physicochemical variation, residue mobility, and thermodynamic stability) indicates that this missense variant is not expected to disrupt SOS1 protein function with a negative predictive value of 80%. In summary, the available evidence is currently insufficient to determine the role of this variant in disease. Therefore, it has been classified as a Variant of Uncertain Significance.